The following is an entry in ClinVar:

ClinVar aggregate classification (germline): Uncertain significance. Review status: criteria provided, multiple submitters, no conflicts (2 of 4 stars). 2 submissions from 2 submitters: Uncertain significance (2). Last evaluated 2024-12-31.

Conditions:
Inborn genetic diseases. Identifiers: MedGen C0950123, MeSH D030342.

gnomAD v4.1: 5 of 1,592,250 alleles (0.00031%); highest among the groups gnomAD compares: Non-Finnish European, 0.00034%; no homozygotes.

Submissions (2):

Ambry Genetics
Classification: Uncertain significance for Inborn genetic diseases. Last evaluated: 2024-12-31. Review status: criteria provided, single submitter. Criteria: Ambry Variant Classification Scheme 2023. Collection method: clinical testing. Allele origin: germline.

Labcorp Genetics (formerly Invitae), Labcorp
Classification: Uncertain significance. Last evaluated: 2024-04-07. Review status: criteria provided, single submitter. Criteria: Invitae Variant Classification Sherloc (09022015). Collection method: clinical testing. Allele origin: germline.
Comment: This sequence change replaces serine, which is neutral and polar, with asparagine, which is neutral and polar, at codon 452 of the CFH protein (p.Ser452Asn). This variant is not present in population databases (gnomAD no frequency). This variant has not been reported in the literature in individuals affected with CFH-related conditions. ClinVar contains an entry for this variant (Variation ID: 2118942). An algorithm developed to predict the effect of missense changes on protein structure and function (PolyPhen-2) suggests that this variant is likely to be tolerated. In summary, the available evidence is currently insufficient to determine the role of this variant in disease. Therefore, it has been classified as a Variant of Uncertain Significance.

NM_000186.4(CFH):c.1355G>A (p.Ser452Asn)

Gene: CFH (complement factor H; plus strand). Cytogenetic location: 1q31.3.
Variant type: single nucleotide variant.
Coding change: c.1355G>A on transcript NM_000186.4 (MANE Select); coding-DNA position 1355, G replaced by A.
Protein change: p.Ser452Asn; replaces serine 452 with asparagine.
Molecular consequence: missense variant.
Genome position (GRCh38, 1-based): chr1:196,713,753, G>A. VCF-style: chr1-196713753-G-A. GRCh37 (hg19) VCF-style: chr1-196682883-G-A.
Other names: short protein forms S452N.
Identifiers: ClinVar variation 2118942 (VCV002118942.5), dbSNP rs1558172767, ClinGen allele CA343981586.
Genomic context (GRCh38, chr1:196,713,753, plus strand): 5'-TTGATCATATGCTTGTCTTTTTCTTATTCTCTTCCCTTTTAGAAACATGTTCCAAATCAA[G>A]TATAGATATTGAGAATGGGTTTATTTCTGAATCTCAGTATACATATGCCTTAAAAGAAAA-3'
Protein context (NP_000177.2, residues 442-462): CIRVKTCSKS[Ser452Asn]IDIENGFISE